The following is an entry in ClinVar:

ClinVar aggregate classification (germline): Likely benign (1 of 4 stars; one submission).

Conditions:
Mitochondrial complex V (ATP synthase) deficiency, nuclear type 2. Also called: Nuclear-Encoded ATPase Deficiency, TMEM70-Related; ENCEPHALOCARDIOMYOPATHY, MITOCHONDRIAL, NEONATAL, DUE TO ATP SYNTHASE DEFICIENCY; MITOCHONDRIAL COMPLEX V (ATP SYNTHASE) DEFICIENCY, TMEM70 TYPE. Identifiers: Orphanet 1194, MedGen C3279699, MONDO:0013546, OMIM 614052.

Allele frequency attached by ClinVar (database versions not stated): ExAC 0.00009; gnomAD 0.00021 and 0.00026; TOPMed 0.00026; gnomAD exomes 0.00038 and 0.00076; 1000 Genomes Project 0.00180; 1000 Genomes Project 30x 0.00203.
gnomAD v4.1: 221 of 649,656 alleles (0.034%); highest among the groups gnomAD compares: East Asian, 0.66%; 1 homozygote.

Submission:

Illumina Laboratory Services, Illumina
Classification: Likely benign for Mitochondrial complex V (ATP synthase) deficiency, nuclear type 2. Last evaluated: 2018-01-13. Review status: criteria provided, single submitter. Criteria: ICSL Variant Classification Criteria 13 December 2019. Collection method: clinical testing. Allele origin: germline.
Comment: This variant was observed in the ICSL laboratory as part of a predisposition screen in an ostensibly healthy population. It had not been previously curated by ICSL or reported in the Human Gene Mutation Database (HGMD: prior to June 1st, 2018), and was therefore a candidate for classification through an automated scoring system. Utilizing variant allele frequency, disease prevalence and penetrance estimates, and inheritance mode, an automated score was calculated to assess if this variant is too frequent to cause the disease. Based on the score and internal cut-off values, a variant classified as likely benign is not then subjected to further curation. The score for this variant resulted in a classification of likely benign for this disease.

NM_017866.6(TMEM70):c.*217A>C

Gene: TMEM70 (transmembrane protein 70; plus strand). Cytogenetic location: 8q21.11.
Variant type: single nucleotide variant.
Coding change: c.*217A>C on transcript NM_017866.6 (MANE Select); 217 bases downstream of the stop codon, A replaced by C.
Molecular consequence: 3 prime UTR variant. On other transcripts: non-coding transcript variant (1).
Genome position (GRCh38, 1-based): chr8:73,981,838, A>C. VCF-style: chr8-73981838-A-C. GRCh37 (hg19) VCF-style: chr8-74894073-A-C.
Other names: c.*690A>C (NM_001040613.3).
Identifiers: ClinVar variation 363697 (VCV000363697.5), dbSNP rs140080854, ClinGen allele CA4784146.